The following is an entry in ClinVar:

ClinVar aggregate classification (germline): Uncertain significance (1 of 4 stars; one submission).

Submission:

Labcorp Genetics (formerly Invitae), Labcorp
Classification: Uncertain significance. Last evaluated: 2022-11-08. Review status: criteria provided, single submitter. Criteria: Invitae Variant Classification Sherloc (09022015). Collection method: clinical testing. Allele origin: germline.
Comment: In summary, the available evidence is currently insufficient to determine the role of this variant in disease. Therefore, it has been classified as a Variant of Uncertain Significance. Advanced modeling of protein sequence and biophysical properties (such as structural, functional, and spatial information, amino acid conservation, physicochemical variation, residue mobility, and thermodynamic stability) performed at Invitae indicates that this missense variant is not expected to disrupt GNA11 protein function. This variant has not been reported in the literature in individuals affected with GNA11-related conditions. This variant is not present in population databases (gnomAD no frequency). This sequence change replaces glutamic acid, which is acidic and polar, with lysine, which is basic and polar, at codon 26 of the GNA11 protein (p.Glu26Lys).

NM_002067.5(GNA11):c.76G>A (p.Glu26Lys)

Gene: GNA11 (G protein subunit alpha 11; plus strand). Cytogenetic location: 19p13.3.
Variant type: single nucleotide variant.
Coding change: c.76G>A on transcript NM_002067.5 (MANE Select); coding-DNA position 76, G replaced by A.
Protein change: p.Glu26Lys; replaces glutamic acid 26 with lysine.
Molecular consequence: missense variant.
Genome position (GRCh38, 1-based): chr19:3,094,727, G>A. VCF-style: chr19-3094727-G-A. GRCh37 (hg19) VCF-style: chr19-3094725-G-A.
Other names: short protein forms E26K.
Identifiers: ClinVar variation 2812723 (VCV002812723.3), dbSNP rs2512078232, ClinGen allele CA403299731.